The following is an entry in ClinVar:

NM_015294.6(TRIM37):c.1086A>G (p.Glu362=)

Gene: TRIM37 (tripartite motif containing 37; minus strand). Cytogenetic location: 17q22.
Variant type: single nucleotide variant.
Coding change: c.1086A>G on transcript NM_015294.6 (MANE Select); coding-DNA position 1086, A replaced by G.
Protein change: p.Glu362=; no amino-acid change (glutamic acid 362 retained).
Molecular consequence: synonymous variant. On other transcripts: non-coding transcript variant (2).
Genome position (GRCh38, 1-based): chr17:59,056,988, T>C on the plus strand (A>G on the coding strand, the complement: TRIM37 is on the minus strand). VCF-style: chr17-59056988-T-C. GRCh37 (hg19) VCF-style: chr17-57134349-T-C.
Other names: c.1086A>G, p.Glu362= (NM_001005207.5, NM_001320988.3, NM_001320989.3 and 1 more transcripts); c.984A>G, p.Glu328= (NM_001320987.3, NM_001353082.2); c.720A>G, p.Glu240= (NM_001320990.3); c.351A>G, p.Glu117= (NM_001353083.2); c.624A>G, p.Glu208= (NM_001353085.2); c.1035A>G, p.Glu345= (NM_001353086.2).
Identifiers: ClinVar variation 3898667 (VCV003898667.7).
Genomic context (GRCh38, chr17:59,056,988, plus strand): 5'-GTCCAAACGGAAAAATCTATTATAGCCCCAGCATTCTCCAACTTCAAAGTCAGATGCAAA[T>C]TCTCGAATGATATTTTTTGTAGGATCATTACAGGACTGGTGAACCATCTCTACACGATAT-3'
Protein context (NP_056109.1, residues 352-372): CNDPTKNIIR[Glu362=]FASDFEVGEC

ClinVar aggregate classification (germline): Likely benign (1 of 4 stars; one submission).

Submission:

CeGaT Center for Human Genetics Tuebingen
Classification: Likely benign. Last evaluated: 2025-04-01. Review status: criteria provided, single submitter. Criteria: CeGaT Center For Human Genetics Tuebingen Variant Classification Criteria Version 2. Collection method: clinical testing. Allele origin: germline. Affected: yes. Observed: 1 variant allele.
Comment: TRIM37: PM2:Supporting, BP4, BP7